The following is an entry in ClinVar:

ClinVar aggregate classification (germline): Likely benign. Review status: criteria provided, multiple submitters, no conflicts (2 of 4 stars). 4 submissions from 4 submitters: Likely benign (3). 1 of the submissions does not count toward it. Last evaluated 2026-01-26.

Conditions:
CCDC88C-related disorder. Also called: CCDC88C-related condition; CCDC88C-Related Disorders.

Allele frequency attached by ClinVar (database versions not stated): gnomAD exomes 0.00020 and 0.00024; gnomAD 0.00021 and 0.00024; TOPMed 0.00023; ESP Exome Variant Server 0.00033; ExAC 0.00046.
gnomAD v4.1: 327 of 1,608,210 alleles (0.02%); highest among the groups gnomAD compares: Non-Finnish European, 0.025%; 2 homozygotes.

Submissions (4):

Labcorp Genetics (formerly Invitae), Labcorp
Classification: Likely benign. Last evaluated: 2026-01-26. Review status: criteria provided, single submitter. Criteria: Invitae Variant Classification Sherloc (09022015). Collection method: clinical testing. Allele origin: germline.

Blueprint Genetics
Classification: Likely benign. Last evaluated: 2024-11-26. Review status: criteria provided, single submitter. Criteria: ACMG Guidelines, 2015. Collection method: clinical testing. Allele origin: germline.

Breakthrough Genomics
Classification: Likely benign. Review status: criteria provided, single submitter. Criteria: ACMG Guidelines, 2015. Collection method: not provided. Allele origin: germline. Inheritance: Autosomal recessive inheritance. Affected: yes.

PreventionGenetics, part of Exact Sciences
Classification: Likely benign for CCDC88C-related condition. Last evaluated: 2019-02-28. Review status: no assertion criteria provided. Collection method: clinical testing. Allele origin: germline. Not counted in ClinVar's aggregate classification.
Comment: This variant is classified as likely benign based on ACMG/AMP sequence variant interpretation guidelines (Richards et al. 2015 PMID: 25741868, with internal and published modifications).

NM_001080414.4(CCDC88C):c.273A>G (p.Glu91=)

Gene: CCDC88C (coiled-coil and HOOK domain protein 88C; minus strand). Cytogenetic location: 14q32.11.
Variant type: single nucleotide variant.
Coding change: c.273A>G on transcript NM_001080414.4 (MANE Select); coding-DNA position 273, A replaced by G.
Protein change: p.Glu91=; no amino-acid change (glutamic acid 91 retained).
Molecular consequence: synonymous variant.
Genome position (GRCh38, 1-based): chr14:91,359,709, T>C on the plus strand (A>G on the coding strand, the complement: CCDC88C is on the minus strand). VCF-style: chr14-91359709-T-C. GRCh37 (hg19) VCF-style: chr14-91826053-T-C.
Identifiers: ClinVar variation 731953 (VCV000731953.11), dbSNP rs199846951, ClinGen allele CA7310303.
Genomic context (GRCh38, chr14:91,359,709, plus strand): 5'-TGGGTCTCTGCCAATCATCAAAACATTGGGCAAATTCATTACAATCAGCTGCTGGAGAAC[T>C]TCCTGCAGAAACAAAGGGGGAAAAGATACCATTAAGAACCGGAAACAAAAATAAAGAGGG-3'
Protein context (NP_001073883.2, residues 81-101): LVRNIKTYYQ[Glu91=]VLQQLIVMNL